The following is an entry in ClinVar:

NM_014254.3(RXYLT1):c.1226A>G (p.Glu409Gly)

Genes: RXYLT1 (ribitol xylosyltransferase 1; plus strand), RXYLT1-AS1 (RXYLT1 antisense RNA 1; minus strand). Cytogenetic location: 12q14.2.
Variant type: single nucleotide variant.
Coding change: c.1226A>G on transcript NM_014254.3 (MANE Select); coding-DNA position 1226, A replaced by G.
Protein change: p.Glu409Gly; replaces glutamic acid 409 with glycine.
Molecular consequence: missense variant.
Genome position (GRCh38, 1-based): chr12:63,808,986, A>G. VCF-style: chr12-63808986-A-G. GRCh37 (hg19) VCF-style: chr12-64202766-A-G.
Other names: p.Glu409Gly; c.446A>G, p.Glu149Gly (NM_001278237.2); short protein forms E409G, E149G.
Identifiers: ClinVar variation 260374 (VCV000260374.16), dbSNP rs141536395, ClinGen allele CA6666262.
Genomic context (GRCh38, chr12:63,808,986, plus strand): 5'-GGAAGGAACTCCCTGCTGTTTTAGAAAAAGAGAAAACTATAATTTTACAAGAAAAAATTG[A>G]AAGAAGAAAAATGTTACTTCAGTGGTATCAGCACTTCAAGACAGAGCTTAAAATGAAATT-3'
Protein context (NP_055069.1, residues 399-419): EKTIILQEKI[Glu409Gly]RRKMLLQWYQ

ClinVar aggregate classification (germline): Benign/Likely benign. Review status: criteria provided, multiple submitters, no conflicts (2 of 4 stars). 6 submissions from 6 submitters: Benign (5); Likely benign (1). Last evaluated 2026-01-24.

Conditions:
Muscular dystrophy-dystroglycanopathy (congenital with brain and eye anomalies), type a, 10 (MDDGA10). Also called: WALKER-WARBURG SYNDROME OR MUSCLE-EYE-BRAIN DISEASE, TMEM5-RELATED. Identifiers: Orphanet 899, MedGen C3554381, MONDO:0014022, OMIM 615041.

Allele frequency attached by ClinVar (database versions not stated): gnomAD exomes 0.00051 and 0.00140; ExAC 0.00188; ESP Exome Variant Server 0.00554; gnomAD 0.00608 and 0.00659; 1000 Genomes Project 0.00679; 1000 Genomes Project 30x 0.00687; TOPMed 0.00716.
gnomAD v4.1: 1,685 of 1,612,494 alleles (0.1%); highest among the groups gnomAD compares: African/African-American, 2%; 18 homozygotes.

Submissions (6):

Labcorp Genetics (formerly Invitae), Labcorp
Classification: Benign. Last evaluated: 2026-01-24. Review status: criteria provided, single submitter. Criteria: Invitae Variant Classification Sherloc (09022015). Collection method: clinical testing. Allele origin: germline.

Fulgent Genetics
Classification: Likely benign for Muscular dystrophy-dystroglycanopathy (congenital with brain and eye anomalies), type a, 10. Last evaluated: 2022-04-20. Review status: criteria provided, single submitter. Criteria: ACMG Guidelines, 2015. Collection method: clinical testing. Allele origin: unknown.

Mayo Clinic Laboratories, Mayo Clinic
Classification: Benign. Last evaluated: 2019-07-26. Review status: criteria provided, single submitter. Criteria: ACMG Guidelines, 2015. Collection method: clinical testing. Allele origin: germline. Observed: 5 variant alleles.

GeneDx
Classification: Benign. Last evaluated: 2017-05-02. Review status: criteria provided, single submitter. Criteria: GeneDx Variant Classification (06012015). Collection method: clinical testing. Allele origin: germline. Affected: yes.
Comment: This variant is considered likely benign or benign based on one or more of the following criteria: it is a conservative change, it occurs at a poorly conserved position in the protein, it is predicted to be benign by multiple in silico algorithms, and/or has population frequency not consistent with disease.

Breakthrough Genomics
Classification: Benign. Review status: criteria provided, single submitter. Criteria: ACMG Guidelines, 2015. Collection method: not provided. Allele origin: germline. Inheritance: Autosomal recessive inheritance. Affected: yes.

PreventionGenetics, part of Exact Sciences
Classification: Benign. Review status: criteria provided, single submitter. Criteria: ACMG Guidelines, 2015. Collection method: clinical testing. Allele origin: germline.